The following is an entry in ClinVar:

ClinVar aggregate classification (germline): Uncertain significance (1 of 4 stars; one submission).

Conditions:
Fanconi anemia (FA). Also called: Fanconi's anemia. Identifiers: Orphanet 84, MedGen C0015625, MeSH D005199, MONDO:0019391.

Allele frequency attached by ClinVar (database versions not stated): gnomAD exomes below 0.00001; gnomAD 0.00001; TOPMed 0.00001.
gnomAD v4.1: 16 of 1,613,990 alleles (0.00099%); highest among the groups gnomAD compares: Non-Finnish European, 0.0014%; no homozygotes.

Submission:

Labcorp Genetics (formerly Invitae), Labcorp
Classification: Uncertain significance for Fanconi anemia. Last evaluated: 2024-04-01. Review status: criteria provided, single submitter. Criteria: Invitae Variant Classification Sherloc (09022015). Collection method: clinical testing. Allele origin: germline.
Comment: This sequence change replaces leucine, which is neutral and non-polar, with histidine, which is basic and polar, at codon 817 of the FANCA protein (p.Leu817His). This variant is present in population databases (no rsID available, gnomAD 0.002%). This variant has not been reported in the literature in individuals affected with FANCA-related conditions. ClinVar contains an entry for this variant (Variation ID: 972548). Advanced modeling of protein sequence and biophysical properties (such as structural, functional, and spatial information, amino acid conservation, physicochemical variation, residue mobility, and thermodynamic stability) performed at Invitae indicates that this missense variant is not expected to disrupt FANCA protein function with a negative predictive value of 80%. In summary, the available evidence is currently insufficient to determine the role of this variant in disease. Therefore, it has been classified as a Variant of Uncertain Significance.

NM_000135.4(FANCA):c.2450T>A (p.Leu817His)

Gene: FANCA (FA complementation group A; minus strand). Cytogenetic location: 16q24.3.
Variant type: single nucleotide variant.
Coding change: c.2450T>A on transcript NM_000135.4 (MANE Select); coding-DNA position 2450, T replaced by A.
Protein change: p.Leu817His; replaces leucine 817 with histidine.
Molecular consequence: missense variant.
Genome position (GRCh38, 1-based): chr16:89,769,891, A>T on the plus strand (T>A on the coding strand, the complement: FANCA is on the minus strand). VCF-style: chr16-89769891-A-T. GRCh37 (hg19) VCF-style: chr16-89836299-A-T.
Other names: c.2450T>A, p.Leu817His (NM_001286167.3); short protein forms L817H.
Identifiers: ClinVar variation 972548 (VCV000972548.10), dbSNP rs1307805145, ClinGen allele CA397443328.